The following is an entry in ClinVar:

ClinVar aggregate classification (germline): Uncertain significance. Review status: criteria provided, multiple submitters, no conflicts (2 of 4 stars). 2 submissions from 2 submitters: Uncertain significance (2). Last evaluated 2023-12-05.

Conditions:
Ataxia-telangiectasia syndrome (AT). Also called: Ataxia-telangiectasia, complementation group D; AT, COMPLEMENTATION GROUP C; Ataxia-telangiectasia; ATAXIA-TELANGIECTASIA, COMPLEMENTATION GROUP A; ATAXIA-TELANGIECTASIA, FRESNO VARIANT; LOUIS-BAR SYNDROME. Identifiers: Orphanet 100, MedGen C0004135, MONDO:0008840, OMIM 208900.
Hereditary cancer-predisposing syndrome. Also called: Hereditary Cancer Syndrome; Neoplastic Syndromes, Hereditary; Tumor predisposition; Hereditary neoplastic syndrome. Identifiers: Orphanet 140162, MedGen C0027672, MeSH D009386, MONDO:0015356.

Submissions (2):

Color Diagnostics, LLC DBA Color Health
Classification: Uncertain significance for Hereditary cancer-predisposing syndrome. Last evaluated: 2023-12-05. Review status: criteria provided, single submitter. Criteria: ACMG Guidelines, 2015. Collection method: clinical testing. Allele origin: germline.
Comment: This missense variant replaces proline with alanine at codon 1257 of the ATM protein. Computational prediction is inconclusive regarding the impact of this variant on protein structure and function (internally defined REVEL score threshold 0.5 < inconclusive < 0.7, PMID: 27666373). To our knowledge, functional studies have not been reported for this variant. This variant has not been reported in individuals affected with ATM-related disorders in the literature. This variant has not been identified in the general population by the Genome Aggregation Database (gnomAD). The available evidence is insufficient to determine the role of this variant in disease conclusively. Therefore, this variant is classified as a Variant of Uncertain Significance.

Labcorp Genetics (formerly Invitae), Labcorp
Classification: Uncertain significance for Ataxia-telangiectasia syndrome. Last evaluated: 2023-05-05. Review status: criteria provided, single submitter. Criteria: Invitae Variant Classification Sherloc (09022015). Collection method: clinical testing. Allele origin: germline.
Comment: In summary, the available evidence is currently insufficient to determine the role of this variant in disease. Therefore, it has been classified as a Variant of Uncertain Significance. An algorithm developed to predict the effect of missense changes on protein structure and function (PolyPhen-2) suggests that this variant is likely to be disruptive. ClinVar contains an entry for this variant (Variation ID: 631408). This variant has not been reported in the literature in individuals affected with ATM-related conditions. This variant is not present in population databases (gnomAD no frequency). This sequence change replaces proline, which is neutral and non-polar, with alanine, which is neutral and non-polar, at codon 1257 of the ATM protein (p.Pro1257Ala).

NM_000051.4(ATM):c.3769C>G (p.Pro1257Ala)

Gene: ATM (ATM serine/threonine kinase; plus strand). Cytogenetic location: 11q22.3.
Variant type: single nucleotide variant.
Coding change: c.3769C>G on transcript NM_000051.4 (MANE Select); coding-DNA position 3769, C replaced by G.
Protein change: p.Pro1257Ala; replaces proline 1257 with alanine.
Molecular consequence: missense variant.
Genome position (GRCh38, 1-based): chr11:108,284,249, C>G. VCF-style: chr11-108284249-C-G. GRCh37 (hg19) VCF-style: chr11-108154976-C-G.
Other names: c.3769C>G, p.Pro1257Ala (NM_001351834.2); short protein forms P1257A.
Identifiers: ClinVar variation 631408 (VCV000631408.7), dbSNP rs1565447002, ClinGen allele CA382524398.
Genomic context (GRCh38, chr11:108,284,249, plus strand): 5'-TTATATATAACCTGTATTTTAAATTTTTCTATTTTTAGATCTTGTTATAAGGTTTTGATT[C>G]CACATCTGGTGATTAGAAGTCATTTTGATGAGGTGAAGTCCATTGCTAATCAGATTCAAG-3'
Protein context (NP_000042.3, residues 1247-1267): FYRSCYKVLI[Pro1257Ala]HLVIRSHFDE